The following is an entry in ClinVar:

NM_152383.5(DIS3L2):c.189G>T (p.Leu63Phe)

Gene: DIS3L2 (DIS3 like 3'-5' exoribonuclease 2; plus strand). Cytogenetic location: 2q37.1.
Variant type: single nucleotide variant.
Coding change: c.189G>T on transcript NM_152383.5 (MANE Select); coding-DNA position 189, G replaced by T.
Protein change: p.Leu63Phe; replaces leucine 63 with phenylalanine.
Molecular consequence: missense variant. On other transcripts: non-coding transcript variant (2).
Genome position (GRCh38, 1-based): chr2:232,015,650, G>T. VCF-style: chr2-232015650-G-T. GRCh37 (hg19) VCF-style: chr2-232880360-G-T.
Other names: c.189G>T, p.Leu63Phe (NM_001257282.2, NM_001257281.2); short protein forms L63F.
Identifiers: ClinVar variation 1043573 (VCV001043573.6), dbSNP rs1559543105, ClinGen allele CA351152094.
Genomic context (GRCh38, chr2:232,015,650, plus strand): 5'-AGGGAAGAAAAAGAGCATATTTGAAACTTACATGTCCAAGGAGGATGTTTCAGAAGGCTT[G>T]AAGAGAGGAACACTCATCCAGGTGCTTAAAATCTACTGGAAGGCTATTCTCTGAATATGT-3'
Protein context (NP_689596.4, residues 53-73): YMSKEDVSEG[Leu63Phe]KRGTLIQGVL

ClinVar aggregate classification (germline): Uncertain significance (1 of 4 stars; one submission).

Conditions:
Perlman syndrome (PRLMNS). Identifiers: Orphanet 2849, MedGen C0796113, MONDO:0009965, OMIM 267000.

Allele frequency attached by ClinVar (database versions not stated): gnomAD exomes below 0.00001.
gnomAD v4.1: 3 of 1,613,948 alleles (0.00019%); highest among the groups gnomAD compares: East Asian, 0.0045%; no homozygotes.

Submission:

Labcorp Genetics (formerly Invitae), Labcorp
Classification: Uncertain significance for Perlman syndrome. Last evaluated: 2023-09-08. Review status: criteria provided, single submitter. Criteria: Invitae Variant Classification Sherloc (09022015). Collection method: clinical testing. Allele origin: germline.
Comment: In summary, the available evidence is currently insufficient to determine the role of this variant in disease. Therefore, it has been classified as a Variant of Uncertain Significance. Algorithms developed to predict the effect of sequence changes on RNA splicing suggest that this variant may disrupt the consensus splice site. An algorithm developed to predict the effect of missense changes on protein structure and function (PolyPhen-2) suggests that this variant is likely to be disruptive. ClinVar contains an entry for this variant (Variation ID: 1043573). This variant has not been reported in the literature in individuals affected with DIS3L2-related conditions. This variant is not present in population databases (gnomAD no frequency). This sequence change replaces leucine, which is neutral and non-polar, with phenylalanine, which is neutral and non-polar, at codon 63 of the DIS3L2 protein (p.Leu63Phe).